The following is an entry in ClinVar:

NM_001012759.3(CTU2):c.377G>C (p.Arg126Thr)

Gene: CTU2 (cytosolic thiouridylase subunit 2; plus strand). Cytogenetic location: 16q24.3.
Variant type: single nucleotide variant.
Coding change: c.377G>C on transcript NM_001012759.3 (MANE Select); coding-DNA position 377, G replaced by C.
Protein change: p.Arg126Thr; replaces arginine 126 with threonine.
Molecular consequence: missense variant.
Genome position (GRCh38, 1-based): chr16:88,712,307, G>C. VCF-style: chr16-88712307-G-C. GRCh37 (hg19) VCF-style: chr16-88778715-G-C.
Other names: c.377G>C, p.Arg126Thr (NM_001012762.3); c.590G>C, p.Arg197Thr (NM_001318507.2); c.116G>C, p.Arg39Thr (NM_001318513.2); short protein forms R126T, R197T, R39T.
Identifiers: ClinVar variation 1050146 (VCV001050146.1), dbSNP rs777379637, ClinGen allele CA286396209.

ClinVar aggregate classification (germline): Uncertain significance (0 of 4 stars; one submission).

gnomAD v4.1: 15 of 1,608,870 alleles (0.00093%); highest among the groups gnomAD compares: Non-Finnish European, 0.0012%; no homozygotes.

Submission:

Department of Pathology and Laboratory Medicine, Sinai Health System
Classification: Uncertain significance. Review status: no assertion criteria provided. Collection method: clinical testing. Allele origin: unknown. Affected: yes. Study: The Canadian Open Genetics Repository (COGR).
Comment: The CTU2 p.Arg39Thr variant was not identified in the literature nor was it identified in the ClinVar, Cosmic, MutDB or LOVD 3.0 databases. The variant was identified in dbSNP (ID: rs777379637) and in control databases in 2 of 241394 chromosomes at a frequency of 0.000008 (Genome Aggregation Database Feb 27, 2017). The variant was observed in the following populations: African in 1 of 15138 chromosomes (freq: 0.000066) and European (non-Finnish) in 1 of 108480 chromosomes (freq: 0.000009), but not in the Latino, Ashkenazi Jewish, East Asian, European (Finnish), Other, and South Asian populations. The p.Arg39 residue is conserved across mammals and other organisms, and four out of five computational analyses (PolyPhen-2, SIFT, BLOSUM, MutationTaster) suggest that the variant may impact the protein; however, this information is not predictive enough to assume pathogenicity. In summary, based on the above information the clinical significance of this variant cannot be determined with certainty at this time. This variant is classified as a variant of uncertain significance.